The following is an entry in ClinVar:

NC_000019.10:g.45478610G>C

Gene: TRU-TCA1-1 (tRNA-SeC (anticodon TCA) 1-1; minus strand). Cytogenetic location: 19q13.32.
Variant type: single nucleotide variant.
Genome position: GRCh38 VCF-style: chr19-45478610-G-C. GRCh37 (hg19) VCF-style: chr19-45981868-G-C.
Other names: C-G, NT65.
Identifiers: ClinVar variation 217868 (VCV000217868.2), dbSNP rs879255589, ClinGen allele CA10575807.

ClinVar aggregate classification (germline): Pathogenic. Review status: no assertion criteria provided (0 of 4 stars). 2 submissions from 2 submitters: Pathogenic (2). Last evaluated 2023-01-10.

Conditions:
Thyroid hormone metabolism, abnormal, 3 (THMA3). Identifiers: MedGen C5774292, MONDO:0859354, OMIM 620198.
Thyroid hormone metabolism, abnormal 1 (THMA1). Also called: Short stature-delayed bone age due to thyroid hormone metabolism deficiency. Identifiers: Orphanet 171706, MedGen C5676891, MONDO:0800046, OMIM 609698.

Submissions (2):

OMIM
Classification: Pathogenic for THYROID HORMONE METABOLISM, ABNORMAL, 3. Last evaluated: 2023-01-10. Review status: no assertion criteria provided. Collection method: literature only. Allele origin: germline.

Institute of metabolic science
Classification: Pathogenic for Thyroid hormone metabolism, abnormal 1. Review status: no assertion criteria provided. Collection method: clinical testing. Allele origin: paternal. Affected: yes.
Comment: general selenoprotein deficiency

Literature cited by the submitters: PubMed 26854926 (cited by OMIM); PubMed 34956927 (cited by OMIM).